The following is an entry in ClinVar:

NM_000237.3(LPL):c.199dup (p.Cys67fs)

Gene: LPL (lipoprotein lipase; plus strand). Cytogenetic location: 8p21.3.
Variant type: Duplication.
Coding change: c.199dup on transcript NM_000237.3 (MANE Select); coding-DNA position 199, one base duplicated (T; older notation c.199dupT).
Protein change: p.Cys67fs; shifts the reading frame from cysteine 67.
Molecular consequence: frameshift variant.
Genome position (GRCh38, 1-based): chr8:19,948,290, T duplicated. VCF-style (leftmost placement, unchanged base first): chr8-19948289-C-CT. GRCh37 (hg19) VCF-style: chr8-19805800-C-CT.
Other names: short protein forms C67fs.
Identifiers: ClinVar variation 3630603 (VCV003630603.2).
Genomic context (GRCh38, chr8:19,948,289, plus strand): 5'-TGAAGACACAGCTGAGGACACTTGCCACCTCATTCCCGGAGTAGCAGAGTCCGTGGCTAC[C>CT]TGTCATTTCAATCACAGCAGCAAAACCTTCATGGTGATCCATGGCTGGACGGTAAGGGAG-3'

ClinVar aggregate classification (germline): Pathogenic (1 of 4 stars; one submission).

Submission:

Labcorp Genetics (formerly Invitae), Labcorp
Classification: Pathogenic. Last evaluated: 2024-04-25. Review status: criteria provided, single submitter. Criteria: Invitae Variant Classification Sherloc (09022015). Collection method: clinical testing. Allele origin: germline.
Comment: This sequence change creates a premature translational stop signal (p.Cys67Leufs*23) in the LPL gene. It is expected to result in an absent or disrupted protein product. Loss-of-function variants in LPL are known to be pathogenic (PMID: 11334614). This variant is not present in population databases (gnomAD no frequency). This variant has not been reported in the literature in individuals affected with LPL-related conditions. For these reasons, this variant has been classified as Pathogenic.

Literature cited by the submitters: PubMed 11334614.